The following is an entry in ClinVar:

NM_000180.4(GUCY2D):c.1417G>A (p.Val473Met)

Gene: GUCY2D (guanylate cyclase 2D, retinal; plus strand). Cytogenetic location: 17p13.1.
Variant type: single nucleotide variant.
Coding change: c.1417G>A on transcript NM_000180.4 (MANE Select); coding-DNA position 1417, G replaced by A.
Protein change: p.Val473Met; replaces valine 473 with methionine.
Molecular consequence: missense variant.
Genome position (GRCh38, 1-based): chr17:8,007,098, G>A. VCF-style: chr17-8007098-G-A. GRCh37 (hg19) VCF-style: chr17-7910416-G-A.
Other names: short protein forms V473M.
Identifiers: ClinVar variation 3103304 (VCV003103304.3), dbSNP rs770119513, ClinGen allele CA8365742.
Genomic context (GRCh38, chr17:8,007,098, plus strand): 5'-CCTCCTGTCACTGTCCCTTCAGGACTGGAGCCGGGCCTCGTCTTTCTTGGCTTCCTCCTG[G>A]TGGTTGGGATGGGGCTGGCTGGGGCCTTCCTGGCCCATTATGTGAGGTGAGTAGTGGAAT-3'
Protein context (NP_000171.1, residues 463-483): PGLVFLGFLL[Val473Met]VGMGLAGAFL

ClinVar aggregate classification (germline): Uncertain significance. Review status: criteria provided, multiple submitters, no conflicts (2 of 4 stars). 2 submissions from 2 submitters: Uncertain significance (2). Last evaluated 2024-04-06.

Conditions:
Inborn genetic diseases. Identifiers: MedGen C0950123, MeSH D030342.
Leber congenital amaurosis 1 (LCA1). Also called: AMAUROSIS CONGENITA OF LEBER I; RETINAL BLINDNESS, CONGENITAL; Congenital absence of the rods and cones; Leber's congenital tapetoretinal degeneration; Leber's congenital tapetoretinal dysplasia. Identifiers: Orphanet 65, MedGen C2931258, MONDO:0008764, OMIM 204000.
Cone-rod dystrophy 6 (CORD6). Also called: RETINAL CONE DYSTROPHY 2; Cone dystrophy progressive. Identifiers: Orphanet 1872, MedGen C1866293, MONDO:0011143, OMIM 601777.

Allele frequency attached by ClinVar (database versions not stated): gnomAD exomes 0.00001; ExAC 0.00002.
gnomAD v4.1: 4 of 1,614,192 alleles (0.00025%); highest among the groups gnomAD compares: East Asian, 0.0067%; no homozygotes.

Submissions (2):

Labcorp Genetics (formerly Invitae), Labcorp
Classification: Uncertain significance for Leber congenital amaurosis 1; Cone-rod dystrophy 6. Last evaluated: 2024-04-06. Review status: criteria provided, single submitter. Criteria: Invitae Variant Classification Sherloc (09022015). Collection method: clinical testing. Allele origin: germline.
Comment: This sequence change replaces valine, which is neutral and non-polar, with methionine, which is neutral and non-polar, at codon 473 of the GUCY2D protein (p.Val473Met). This variant is present in population databases (rs770119513, gnomAD 0.03%). This variant has not been reported in the literature in individuals affected with GUCY2D-related conditions. Advanced modeling of protein sequence and biophysical properties (such as structural, functional, and spatial information, amino acid conservation, physicochemical variation, residue mobility, and thermodynamic stability) performed at Invitae indicates that this missense variant is not expected to disrupt GUCY2D protein function with a negative predictive value of 80%. In summary, the available evidence is currently insufficient to determine the role of this variant in disease. Therefore, it has been classified as a Variant of Uncertain Significance.

Ambry Genetics
Classification: Uncertain significance for Inborn genetic diseases. Last evaluated: 2023-02-28. Review status: criteria provided, single submitter. Criteria: Ambry Variant Classification Scheme 2023. Collection method: clinical testing. Allele origin: germline.